The following is an entry in ClinVar:

NM_000448.3(RAG1):c.2196_2197del (p.Leu732_Cys733insTer)

Gene: RAG1 (recombination activating 1; plus strand). Cytogenetic location: 11p12.
Variant type: Deletion.
Coding change: c.2196_2197del on transcript NM_000448.3 (MANE Select); coding-DNA positions 2196 to 2197, 2 bases deleted (TT; older notation c.2196_2197delTT).
Protein change: p.Leu732_Cys733insTer.
Molecular consequence: frameshift variant.
Genome position (GRCh38, 1-based): chr11:36,575,500-36,575,501, TT deleted; deleting any 2 consecutive bases within chr11:36,575,499-36,575,501 gives the same sequence; the c. name uses the placement nearest the transcript's 3' end. VCF-style (leftmost placement, unchanged base first): chr11-36575498-CTT-C. GRCh37 (hg19) VCF-style: chr11-36597048-CTT-C.
Other names: c.2196_2197del, p.Leu732_Cys733insTer (NM_001377277.1, NM_001377278.1, NM_001377279.1 and 1 more transcripts).
Identifiers: ClinVar variation 2928378 (VCV002928378.3), dbSNP rs2494759199, ClinGen allele CA2740093702.
Genomic context (GRCh38, chr11:36,575,498, plus strand): 5'-GAAAAACTTGTGCGGGAAGTGGAAGGCCTCGAGGCTTCTGGCTCAGTCTACATTTGTACT[CTT>C]TGTGATGCCACCCGTCTGGAAGCCTCTCAAAATCTTGTCTTCCACTCTATAACCAGAAGC-3'

ClinVar aggregate classification (germline): Pathogenic (1 of 4 stars; one submission).

Conditions:
Combined immunodeficiency with skin granulomas. Identifiers: Orphanet 157949, MedGen C2673536, MONDO:0009306, OMIM 233650.
Severe combined immunodeficiency, autosomal recessive, T cell-negative, B cell-negative, NK cell-positive. Also called: Severe combined immunodeficiency due to complete RAG1/2 deficiency; SCID, AR, T-cell negative, B-cell negative, NK cell-positive; SCID, T CELL-NEGATIVE, B CELL-NEGATIVE, NK CELL-POSITIVE. Identifiers: Orphanet 331206, MedGen C1832322, MONDO:0011086, OMIM 601457.

Submission:

Labcorp Genetics (formerly Invitae), Labcorp
Classification: Pathogenic for Combined immunodeficiency with skin granulomas; Severe combined immunodeficiency, autosomal recessive, T cell-negative, B cell-negative, NK cell-positive. Last evaluated: 2025-12-16. Review status: criteria provided, single submitter. Criteria: Invitae Variant Classification Sherloc (09022015). Collection method: clinical testing. Allele origin: germline.
Comment: This sequence change creates a premature translational stop signal (p.Cys733*) in the RAG1 gene. While this is not anticipated to result in nonsense mediated decay, it is expected to disrupt the last 311 amino acid(s) of the RAG1 protein. This variant is not present in population databases (gnomAD no frequency). This variant has not been reported in the literature in individuals affected with RAG1-related conditions. ClinVar contains an entry for this variant (Variation ID: 2928378). This variant disrupts a region of the RAG1 protein in which other variant(s) (p.Trp959*) have been determined to be pathogenic (PMID: 11133745, 24290284, 24406074). This suggests that this is a clinically significant region of the protein, and that variants that disrupt it are likely to be disease-causing. For these reasons, this variant has been classified as Pathogenic.

Literature cited by the submitters: PubMed 11133745; PubMed 24290284; PubMed 24406074.